The following is an entry in ClinVar:

NM_000138.5(FBN1):c.5142G>A (p.Met1714Ile)

Gene: FBN1 (fibrillin 1; minus strand). Cytogenetic location: 15q21.1.
Variant type: single nucleotide variant.
Coding change: c.5142G>A on transcript NM_000138.5 (MANE Select); coding-DNA position 5142, G replaced by A.
Protein change: p.Met1714Ile; replaces methionine 1714 with isoleucine.
Molecular consequence: missense variant.
Genome position (GRCh38, 1-based): chr15:48,463,164, C>T on the plus strand (G>A on the coding strand, the complement: FBN1 is on the minus strand). VCF-style: chr15-48463164-C-T. GRCh37 (hg19) VCF-style: chr15-48755361-C-T.
Other names: p.Met1714Ile; short protein forms M1714I.
Identifiers: ClinVar variation 237096 (VCV000237096.33), dbSNP rs368287795, ClinGen allele CA054359.

ClinVar aggregate classification (germline): Conflicting classifications of pathogenicity. Review status: criteria provided, conflicting classifications (1 of 4 stars). 10 submissions from 10 submitters: Uncertain significance (7); Likely benign (2). 1 of the submissions does not count toward it. Last evaluated 2025-11-28.

Conditions:
Marfan syndrome (MFS). Also called: MARFAN SYNDROME, TYPE I; FBN1-Related Marfan Syndrome; Marfan syndrome, classic; Marfan syndrome type 1; Marfan's syndrome. Identifiers: Orphanet 284963, Orphanet 558, MedGen C0024796, MONDO:0007947, OMIM 154700.
Progeroid and marfanoid aspect-lipodystrophy syndrome. Also called: MARFANOID-PROGEROID-LIPODYSTROPHY SYNDROME; MARFANOID-PROGEROID SYNDROME; MARFAN-PROGEROID-LIPODYSTROPHY SYNDROME; Marfan lipodystrophy syndrome. Identifiers: Orphanet 300382, MedGen C4310796, MONDO:0014831, OMIM 616914.
Familial thoracic aortic aneurysm and aortic dissection (TAAD). Also called: Thoracic aortic aneurysms and dissections. Identifiers: Orphanet 91387, MedGen C4707243, MONDO:0019625.

Allele frequency attached by ClinVar (database versions not stated): TOPMed 0.00001; gnomAD exomes 0.00002 and 0.00003; gnomAD 0.00001; ExAC 0.00002; ESP Exome Variant Server 0.00008.

Submissions (10):

Labcorp Genetics (formerly Invitae), Labcorp
Classification: Likely benign for Marfan syndrome; Familial thoracic aortic aneurysm and aortic dissection. Last evaluated: 2025-11-28. Review status: criteria provided, single submitter. Criteria: Invitae Variant Classification Sherloc (09022015). Collection method: clinical testing. Allele origin: germline.

Mayo Clinic Laboratories, Mayo Clinic
Classification: Uncertain significance. Last evaluated: 2025-02-02. Review status: criteria provided, single submitter. Criteria: ACMG Guidelines, 2015. Collection method: clinical testing. Allele origin: germline. Observed: 1 variant allele.
Comment: PM2_supporting

All of Us Research Program, National Institutes of Health
Classification: Uncertain significance for Marfan syndrome. Last evaluated: 2024-07-29. Review status: criteria provided, single submitter. Criteria: ACMG Guidelines, 2015. Collection method: clinical testing. Allele origin: germline. Inheritance: Autosomal dominant inheritance. Observed: 7 variant alleles, 7 heterozygotes.
Comment: This missense variant replaces methionine with isoleucine at codon 1714 of the FBN1 protein. Computational prediction is inconclusive regarding the impact of this variant on protein structure and function (internally defined REVEL score threshold 0.5 < inconclusive < 0.7, PMID: 27666373). To our knowledge, functional studies have not been reported for this variant. This variant has not been reported in individuals affected with cardiovascular disorders in the literature. This variant has been identified in 4/251338 chromosomes in the general population by the Genome Aggregation Database (gnomAD). The available evidence is insufficient to determine the role of this variant in disease conclusively. Therefore, this variant is classified as a Variant of Uncertain Significance.

This study involves interpretation of variants in research participants for the purpose of population health screening. Participant phenotype was not available at the time of variant classification. Additional details can be found in publication PMID: 35346344, PMCID: PMC8962531

Clinical Genomics Laboratory, Washington University in St. Louis
Classification: Uncertain significance for Progeroid and marfanoid aspect-lipodystrophy syndrome; Marfan syndrome. Last evaluated: 2024-07-05. Review status: criteria provided, single submitter. Criteria: ACMG Guidelines, 2015. Collection method: clinical testing. Allele origin: germline.
Comment: The FBN1 c.5142G>A (p.Met1714Ile) variant, to our knowledge, has not been reported in the medical literature associated with patients with FBN1-related phenotypes. This variant has been reported in the ClinVar database as a variant of uncertain significance by six submitters and as a likely benign variant by two submitters (Variation ID: 237096). The highest population minor allele frequency in the population database genome aggregation database (v.2.1.1) is 0.0026% in the European non-Finnish population which is lower than the incidence of Marfan syndrome. Computational predictors are uncertain as to the impact of this variant on FBN1 function. Due to limited information, and based on ACMG/AMP guidelines for variant interpretation (Richards S et al., PMID: 25741868), the clinical significance of this variant is uncertain at this time.

Color Diagnostics, LLC DBA Color Health
Classification: Uncertain significance for Familial thoracic aortic aneurysm and aortic dissection. Last evaluated: 2024-06-26. Review status: criteria provided, single submitter. Criteria: ACMG Guidelines, 2015. Collection method: clinical testing. Allele origin: germline.
Comment: This missense variant replaces methionine with isoleucine at codon 1714 of the FBN1 protein. Computational prediction tools indicate that this variant's impact on protein structure and function is inconclusive. To our knowledge, functional studies have not been reported for this variant. This variant has not been reported in individuals affected with FBN1-related disorders in the literature. This variant has been identified in 4/251338 chromosomes in the general population by the Genome Aggregation Database (gnomAD). The available evidence is insufficient to determine the role of this variant in disease conclusively. Therefore, this variant is classified as a Variant of Uncertain Significance.

Women's Health and Genetics/Laboratory Corporation of America, LabCorp
Classification: Uncertain significance. Last evaluated: 2024-04-01. Review status: criteria provided, single submitter. Criteria: LabCorp Variant Classification Summary - May 2015. Collection method: clinical testing. Allele origin: germline.
Comment: Variant summary: FBN1 c.5142G>A (p.Met1714Ile) results in a conservative amino acid change located in the TB5 region (Sun_2020) of the encoded protein sequence. Three of five in-silico tools predict a damaging effect of the variant on protein function. The variant allele was found at a frequency of 2.7e-05 in 1613998 control chromosomes (gnomAD database v4.0.0). This frequency is not significantly higher than estimated for a pathogenic variant in FBN1 causing Marfan Syndrome (2.7e-05 vs 0.00011), allowing no conclusion about variant significance. To our knowledge, no occurrence of c.5142G>A in individuals affected with Marfan Syndrome and no experimental evidence demonstrating its impact on protein function have been reported. The following publication have been ascertained in the context of this evaluation (PMID: 33030311). ClinVar contains an entry for this variant (Variation ID: 237096). Based on the evidence outlined above, the variant was classified as uncertain significance.

GeneDx
Classification: Uncertain significance. Last evaluated: 2024-01-18. Review status: criteria provided, single submitter. Criteria: GeneDx Variant Classification Process June 2021. Collection method: clinical testing. Allele origin: germline. Affected: yes.
Comment: Has not been previously published as pathogenic or benign in association with an FBN1-related disorder to our knowledge; Not observed at a significant frequency in large population cohorts (gnomAD); Does not affect a cysteine residue within a calcium-binding EGF-like domain of the FBN1 gene; cysteine substitutions in the calcium-binding EGF-like domains represent the majority of pathogenic missense changes associated with FBN1 related disorders (PMID: 12938084); In silico analysis supports that this missense variant does not alter protein structure/function; This variant is associated with the following publications: (PMID: 12938084, 30019023, 31227806)

ARUP Laboratories, Molecular Genetics and Genomics, ARUP Laboratories
Classification: Uncertain significance. Last evaluated: 2021-05-21. Review status: criteria provided, single submitter. Criteria: ARUP Molecular Germline Variant Investigation Process 2021. Collection method: clinical testing. Allele origin: germline.
Comment: The FBN1 c.5142G>A; p.Met1714Ile variant (rs368287795), to our knowledge, is not reported in the medical literature but is reported in ClinVar (Variation ID: 237096). This variant is found in the general population with an allele frequency of 0.0016% (4/251338 alleles) in the Genome Aggregation Database. The methionine at codon 1714 is highly conserved, but computational analyses are uncertain whether this variant is neutral or deleterious (REVEL: 0.511). However, given the lack of clinical and functional data, the significance of the p.Met1714Ile variant is uncertain at this time.

Ambry Genetics
Classification: Likely benign for Familial thoracic aortic aneurysm and aortic dissection. Last evaluated: 2021-04-15. Review status: criteria provided, single submitter. Criteria: Ambry Variant Classification Scheme 2023. Collection method: clinical testing. Allele origin: germline.

Center for Medical Genetics Ghent, University of Ghent
Classification: Uncertain significance for Marfan syndrome. Last evaluated: 2017-11-07. Review status: no assertion criteria provided. Collection method: clinical testing. Allele origin: germline. Affected: yes. Not counted in ClinVar's aggregate classification.

Literature cited by the submitters: PubMed 33030311 (cited by Women's Health and Genetics/Laboratory Corporation of America, LabCorp); PubMed 30019023 (cited by Ambry Genetics); PubMed 31227806 (cited by Ambry Genetics).